The following is an entry in ClinVar:

ClinVar aggregate classification (germline): Benign (3 of 4 stars; one submission).

Conditions:
Breast-ovarian cancer, familial, susceptibility to, 2 (BROVCA2). Also called: BRCA2 Hereditary Breast and Ovarian Cancer. Identifiers: Orphanet 145, MedGen C2675520, MONDO:0012933, OMIM 612555. Disease mechanism: loss of function.

Allele frequency attached by ClinVar (database versions not stated): gnomAD 0.00494 and 0.00519; TOPMed 0.00885; 1000 Genomes Project 0.01118; 1000 Genomes Project 30x 0.01156.
gnomAD v4.1: 783 of 151,750 alleles (0.52%); highest among the groups gnomAD compares: Admixed American, 3.1%; 21 homozygotes.

Submission:

Evidence-based Network for the Interpretation of Germline Mutant Alleles (ENIGMA)
Classification: Benign for Breast-ovarian cancer, familial 2. Last evaluated: 2015-01-12. Review status: reviewed by expert panel. Criteria: ENIGMA BRCA1/2 Classification Criteria (2015). Collection method: curation. Allele origin: germline.
Comment: Class 1 not pathogenic based on frequency >1% in an outbred sampleset. Frequency 0.02972 (Asian), 0.0122 (African), derived from 1000 genomes (2012-04-30).

NM_000059.4(BRCA2):c.8332-3098C>T

Gene: BRCA2 (BRCA2 DNA repair associated; plus strand). Cytogenetic location: 13q13.1.
Variant type: single nucleotide variant.
Coding change: c.8332-3098C>T on transcript NM_000059.4 (MANE Select); 3098 bases into the intron before coding-DNA position 8332, C replaced by T.
Molecular consequence: intron variant.
Genome position (GRCh38, 1-based): chr13:32,367,304, C>T. VCF-style: chr13-32367304-C-T. GRCh37 (hg19) VCF-style: chr13-32941441-C-T.
Other names: IVS 18-3098C>T.
Identifiers: ClinVar variation 209796 (VCV000209796.1), dbSNP rs117384844, ClinGen allele CA276764.